The following is an entry in ClinVar:

NM_017649.5(CNNM2):c.97C>G (p.Leu33Val)

Gene: CNNM2 (cyclin and CBS domain divalent metal cation transport mediator 2; plus strand). Cytogenetic location: 10q24.32.
Variant type: single nucleotide variant.
Coding change: c.97C>G on transcript NM_017649.5 (MANE Select); coding-DNA position 97, C replaced by G.
Protein change: p.Leu33Val; replaces leucine 33 with valine.
Molecular consequence: missense variant.
Genome position (GRCh38, 1-based): chr10:102,918,577, C>G. VCF-style: chr10-102918577-C-G. GRCh37 (hg19) VCF-style: chr10-104678334-C-G.
Other names: c.97C>G, p.Leu33Val (NM_199076.3, NM_199077.3); short protein forms L33V.
Identifiers: ClinVar variation 4765632 (VCV004765632.1).

ClinVar aggregate classification (germline): Uncertain significance (1 of 4 stars; one submission).

Submission:

Labcorp Genetics (formerly Invitae), Labcorp
Classification: Uncertain significance. Last evaluated: 2025-03-26. Review status: criteria provided, single submitter. Criteria: Invitae Variant Classification Sherloc (09022015). Collection method: clinical testing. Allele origin: germline.
Comment: This sequence change replaces leucine, which is neutral and non-polar, with valine, which is neutral and non-polar, at codon 33 of the CNNM2 protein (p.Leu33Val). This variant is not present in population databases (gnomAD no frequency). This variant has not been reported in the literature in individuals affected with CNNM2-related conditions. An algorithm developed to predict the effect of missense changes on protein structure and function (PolyPhen-2) suggests that this variant is likely to be tolerated. In summary, the available evidence is currently insufficient to determine the role of this variant in disease. Therefore, it has been classified as a Variant of Uncertain Significance.